The following is an entry in ClinVar:

ClinVar aggregate classification (germline): Uncertain significance (1 of 4 stars; one submission).

Allele frequency attached by ClinVar (database versions not stated): gnomAD exomes 0.00002 and 0.00005; TOPMed 0.00002; gnomAD 0.00006 and 0.00007; ExAC 0.00007; 1000 Genomes Project 30x 0.00016.
gnomAD v4.1: 48 of 1,614,154 alleles (0.003%); highest among the groups gnomAD compares: East Asian, 0.025%; no homozygotes.

Submission:

Labcorp Genetics (formerly Invitae), Labcorp
Classification: Uncertain significance. Last evaluated: 2025-11-02. Review status: criteria provided, single submitter. Criteria: Invitae Variant Classification Sherloc (09022015). Collection method: clinical testing. Allele origin: germline.
Comment: This sequence change replaces cysteine, which is neutral and slightly polar, with phenylalanine, which is neutral and non-polar, at codon 1819 of the RTTN protein (p.Cys1819Phe). This variant is present in population databases (rs778391347, gnomAD 0.01%). This variant has not been reported in the literature in individuals affected with RTTN-related conditions. ClinVar contains an entry for this variant (Variation ID: 1424864). Invitae Evidence Modeling of protein sequence and biophysical properties (such as structural, functional, and spatial information, amino acid conservation, physicochemical variation, residue mobility, and thermodynamic stability) indicates that this missense variant is not expected to disrupt RTTN protein function with a negative predictive value of 80%. In summary, the available evidence is currently insufficient to determine the role of this variant in disease. Therefore, it has been classified as a Variant of Uncertain Significance.

NM_173630.4(RTTN):c.5456G>T (p.Cys1819Phe)

Genes: RTTN (rotatin; minus strand), LOC126862785 (MED14-independent group 3 enhancer GRCh37_chr18:67714790-67715989; plus strand). Cytogenetic location: 18q22.2.
Variant type: single nucleotide variant.
Coding change: c.5456G>T on transcript NM_173630.4 (MANE Select); coding-DNA position 5456, G replaced by T.
Protein change: p.Cys1819Phe; replaces cysteine 1819 with phenylalanine.
Molecular consequence: missense variant.
Genome position (GRCh38, 1-based): chr18:70,048,056, C>A on the plus strand (G>T on the coding strand, the complement: RTTN is on the minus strand). VCF-style: chr18-70048056-C-A. GRCh37 (hg19) VCF-style: chr18-67715292-C-A.
Other names: c.2720G>T, p.Cys907Phe (NM_001318520.2); short protein forms C1819F, C907F.
Identifiers: ClinVar variation 1424864 (VCV001424864.6), dbSNP rs778391347, ClinGen allele CA8994937.